The following is an entry in ClinVar:

NM_006031.6(PCNT):c.6781G>A (p.Gly2261Arg)

Gene: PCNT (pericentrin; plus strand). Cytogenetic location: 21q22.3.
Variant type: single nucleotide variant.
Coding change: c.6781G>A on transcript NM_006031.6 (MANE Select); coding-DNA position 6781, G replaced by A.
Protein change: p.Gly2261Arg; replaces glycine 2261 with arginine.
Molecular consequence: missense variant.
Genome position (GRCh38, 1-based): chr21:46,416,699, G>A. VCF-style: chr21-46416699-G-A. GRCh37 (hg19) VCF-style: chr21-47836613-G-A.
Other names: c.6427G>A, p.Gly2143Arg (NM_001315529.2); short protein forms G2143R, G2261R.
Identifiers: ClinVar variation 2635936 (VCV002635936.2), dbSNP rs778621511, ClinGen allele CA10080399.

ClinVar aggregate classification (germline): Conflicting classifications of pathogenicity. Review status: criteria provided, conflicting classifications (1 of 4 stars). 2 submissions from 2 submitters: Uncertain significance (1); Likely benign (1). Last evaluated 2025-08-20.

Conditions:
Inborn genetic diseases. Identifiers: MedGen C0950123, MeSH D030342.
PCNT-related disorder. Also called: PCNT-related condition.

Allele frequency attached by ClinVar (database versions not stated): TOPMed 0.00001; gnomAD exomes 0.00002; ExAC 0.00001; gnomAD 0.00001.
gnomAD v4.1: 25 of 1,568,668 alleles (0.0016%); highest among the groups gnomAD compares: Non-Finnish European, 0.0022%; no homozygotes.

Submissions (2):

Ambry Genetics
Classification: Likely benign for Inborn genetic diseases. Last evaluated: 2025-08-20. Review status: criteria provided, single submitter. Criteria: Ambry Variant Classification Scheme 2023. Collection method: clinical testing. Allele origin: germline.

PreventionGenetics, part of Exact Sciences
Classification: Uncertain significance for PCNT-related condition. Last evaluated: 2023-02-01. Review status: criteria provided, single submitter. Criteria: ACMG Guidelines, 2015. Collection method: clinical testing. Allele origin: germline.
Comment: The PCNT c.6781G>A variant is predicted to result in the amino acid substitution p.Gly2261Arg. To our knowledge, this variant has not been reported in the literature. This variant is reported in 0.0010% of alleles in individuals of European (Non-Finnish) descent in gnomAD. At this time, the clinical significance of this variant is uncertain due to the absence of conclusive functional and genetic evidence.